The following is an entry in ClinVar:

NM_006662.3(SRCAP):c.1908_1913del (p.Lys636_Leu637del)

Gene: SRCAP (Snf2 related CREBBP activator protein; plus strand). Cytogenetic location: 16p11.2.
Variant type: Deletion.
Coding change: c.1908_1913del on transcript NM_006662.3 (MANE Select); coding-DNA positions 1908 to 1913, 6 bases deleted (GCTTAA; older notation c.1908_1913delGCTTAA).
Protein change: p.Lys636_Leu637del.
Molecular consequence: inframe deletion.
Genome position (GRCh38, 1-based): chr16:30,712,354-30,712,359, GCTTAA deleted; deleting any 6 consecutive bases within chr16:30,712,352-30,712,359 gives the same sequence; the c. name uses the placement nearest the transcript's 3' end. VCF-style (leftmost placement, unchanged base first): chr16-30712351-GAAGCTT-G. GRCh37 (hg19) VCF-style: chr16-30723672-GAAGCTT-G.
Identifiers: ClinVar variation 4074641 (VCV004074641.1).
Genomic context (GRCh38, chr16:30,712,351, plus strand): 5'-GGGCCAGCTCCGGGAGTACCAGCACATTGGGCTAGACTGGCTGGTTACCATGTATGAGAA[GAAGCTT>G]AATGGCATTCTTGCTGATGAGATGGGGCTTGGGAAGACCATCCAGACCATCTCTCTGCTT-3'

ClinVar aggregate classification (germline): Uncertain significance (1 of 4 stars; one submission).

Submission:

GeneDx
Classification: Uncertain significance. Last evaluated: 2025-02-06. Review status: criteria provided, single submitter. Criteria: GeneDx Variant Classification Process June 2021. Collection method: clinical testing. Allele origin: germline. Affected: yes.
Comment: Not observed at significant frequency in large population cohorts (gnomAD); In-frame deletion of 2 amino acids in a non-repeat region; In silico analysis indicates that this variant does not alter protein structure/function; Has not been previously published as pathogenic or benign to our knowledge